The following is an entry in ClinVar:

NM_001458.5(FLNC):c.1861_1885dup (p.Arg629fs)

Gene: FLNC (filamin C; plus strand). Cytogenetic location: 7q32.1.
Variant type: Duplication.
Coding change: c.1861_1885dup on transcript NM_001458.5 (MANE Select); coding-DNA positions 1861 to 1885, 25 bases duplicated (AAGGGGGATGGCTCCTGCGATGTGC).
Protein change: p.Arg629fs; shifts the reading frame from arginine 629.
Molecular consequence: frameshift variant.
Genome position (GRCh38, 1-based): chr7:128,841,217-128,841,241, AAGGGGGATGGCTCCTGCGATGTGC duplicated; duplicating any 25 consecutive bases within chr7:128,841,216-128,841,241 gives the same sequence; the c. name uses the placement nearest the transcript's 3' end. VCF-style (leftmost placement, unchanged base first): chr7-128841215-A-ACAAGGGGGATGGCTCCTGCGATGTG. GRCh37 (hg19) VCF-style: chr7-128481269-A-ACAAGGGGGATGGCTCCTGCGATGTG.
Other names: c.1861_1885dup, p.Arg629fs (NM_001127487.2); short protein forms R629fs.
Identifiers: ClinVar variation 663736 (VCV000663736.9), dbSNP rs1585156327, ClinGen allele CA915945518.

ClinVar aggregate classification (germline): Pathogenic (1 of 4 stars; one submission).

Conditions:
Distal myopathy with posterior leg and anterior hand involvement. Also called: WILLIAMS DISTAL MYOPATHY. Identifiers: Orphanet 63273, MedGen C3279722, MONDO:0013550, OMIM 614065.
Myofibrillar myopathy 5. Also called: Filaminopathy (type); FILAMINOPATHY, AUTOSOMAL DOMINANT. Identifiers: Orphanet 171445, MedGen C1836050, MONDO:0012289, OMIM 609524.
Hypertrophic cardiomyopathy 26. Also called: Cardiomyopathy, familial hypertrophic, 26. Identifiers: Orphanet 75249, MedGen C4310749, MONDO:0014883, OMIM 617047.

Submission:

Labcorp Genetics (formerly Invitae), Labcorp
Classification: Pathogenic for Distal myopathy with posterior leg and anterior hand involvement; Myofibrillar myopathy 5; Hypertrophic cardiomyopathy 26. Last evaluated: 2019-09-06. Review status: criteria provided, single submitter. Criteria: Invitae Variant Classification Sherloc (09022015). Collection method: clinical testing. Allele origin: germline.
Comment: This variant is not present in population databases (ExAC no frequency). This sequence change creates a premature translational stop signal (p.Arg629Glnfs*25) in the FLNC gene. It is expected to result in an absent or disrupted protein product. This variant has not been reported in the literature in individuals with FLNC-related disease. Loss-of-function variants in FLNC are known to be pathogenic (PMID: 27908349). For these reasons, this variant has been classified as Pathogenic.

Literature cited by the submitters: PubMed 27908349.